The following is an entry in ClinVar:

ClinVar aggregate classification (germline): Uncertain significance (1 of 4 stars; one submission).

Conditions:
Short-rib thoracic dysplasia 14 with polydactyly (SRTD14). Identifiers: Orphanet 397715, MedGen C4225286, MONDO:0014688, OMIM 616546.
Joubert syndrome 23 (JBTS23). Identifiers: Orphanet 475, MedGen C4084822, MONDO:0014664, OMIM 616490.

Submission:

Labcorp Genetics (formerly Invitae), Labcorp
Classification: Uncertain significance for Joubert syndrome 23; Short-rib thoracic dysplasia 14 with polydactyly. Last evaluated: 2025-08-26. Review status: criteria provided, single submitter. Criteria: Invitae Variant Classification Sherloc (09022015). Collection method: clinical testing. Allele origin: germline.
Comment: This sequence change replaces valine, which is neutral and non-polar, with isoleucine, which is neutral and non-polar, at codon 36 of the KIAA0586 protein (p.Val36Ile). This variant is not present in population databases (gnomAD no frequency). This variant has not been reported in the literature in individuals affected with KIAA0586-related conditions. An algorithm developed to predict the effect of missense changes on protein structure and function outputs the following: PolyPhen-2: "Benign". The isoleucine amino acid residue is found in multiple mammalian species, which suggests that this missense change does not adversely affect protein function. In summary, the available evidence is currently insufficient to determine the role of this variant in disease. Therefore, it has been classified as a Variant of Uncertain Significance.

NM_001329943.3(KIAA0586):c.70G>A (p.Val24Ile)

Gene: KIAA0586 (KIAA0586; plus strand). Cytogenetic location: 14q23.1.
Variant type: single nucleotide variant.
Coding change: c.70G>A on transcript NM_001329943.3 (MANE Select); coding-DNA position 70, G replaced by A.
Protein change: p.Val24Ile; replaces valine 24 with isoleucine.
Molecular consequence: missense variant. On other transcripts: intron variant (5).
Genome position (GRCh38, 1-based): chr14:58,428,334, G>A. VCF-style: chr14-58428334-G-A. GRCh37 (hg19) VCF-style: chr14-58895052-G-A.
Other names: c.106G>A, p.Val36Ile (NM_001244189.2); c.25G>A, p.Val9Ile (NM_001244190.2); c.70G>A, p.Val24Ile (NM_001329944.2, NM_001329946.2, NM_001329947.2 and 1 more transcripts); c.-57+697G>A (NM_001244192.2, NM_001244191.2); c.-57+521G>A (NM_001364701.2, NM_001329945.2, NM_001364700.1); short protein forms V36I, V9I, V24I.
Identifiers: ClinVar variation 4790913 (VCV004790913.1).